The following is an entry in ClinVar:

NM_004385.5(VCAN):c.4129G>T (p.Asp1377Tyr)

Genes: VCAN (versican; plus strand), VCAN-AS1 (VCAN antisense RNA 1; minus strand). Cytogenetic location: 5q14.3.
Variant type: single nucleotide variant.
Coding change: c.4129G>T on transcript NM_004385.5 (MANE Select); coding-DNA position 4129, G replaced by T.
Protein change: p.Asp1377Tyr; replaces aspartic acid 1377 with tyrosine.
Molecular consequence: missense variant. On other transcripts: intron variant (2).
Genome position (GRCh38, 1-based): chr5:83,537,132, G>T. VCF-style: chr5-83537132-G-T. GRCh37 (hg19) VCF-style: chr5-82832951-G-T.
Other names: c.4129G>T (NM_004385.4); c.1168G>T, p.Asp390Tyr (NM_001164097.2); c.4004-8405G>T (NM_001164098.2); c.1043-8405G>T (NM_001126336.3); short protein forms D1377Y, D390Y.
Identifiers: ClinVar variation 1025121 (VCV001025121.8), dbSNP rs772855411, ClinGen allele CA3333127.
Genomic context (GRCh38, chr5:83,537,132, plus strand): 5'-TGTAGTGAAGAAACAGATCCAGTGCATGATCTAATGGCTGAAATTTTACCTGAATTCCCT[G>T]ACATAATTGAAATAGACCTATACCACAGTGAAGAAAATGAAGAAGAAGAAGAAGAGTGTG-3'
Protein context (NP_004376.2, residues 1367-1387): LMAEILPEFP[Asp1377Tyr]IIEIDLYHSE

ClinVar aggregate classification (germline): Conflicting classifications of pathogenicity. Review status: criteria provided, conflicting classifications (1 of 4 stars). 3 submissions from 3 submitters: Uncertain significance (2); Likely benign (1). Last evaluated 2025-11-26.

Conditions:
Inborn genetic diseases. Identifiers: MedGen C0950123, MeSH D030342.

Allele frequency attached by ClinVar (database versions not stated): gnomAD exomes 0.00001 and 0.00002; ExAC 0.00003; TOPMed 0.00003.
gnomAD v4.1: 5 of 1,613,760 alleles (0.00031%); highest among the groups gnomAD compares: Admixed American, 0.0083%; no homozygotes.

Submissions (3):

Ambry Genetics
Classification: Uncertain significance for Inborn genetic diseases. Last evaluated: 2025-11-26. Review status: criteria provided, single submitter. Criteria: Ambry Variant Classification Scheme 2023. Collection method: clinical testing. Allele origin: germline.

Labcorp Genetics (formerly Invitae), Labcorp
Classification: Uncertain significance. Last evaluated: 2025-03-03. Review status: criteria provided, single submitter. Criteria: Invitae Variant Classification Sherloc (09022015). Collection method: clinical testing. Allele origin: germline.
Comment: This sequence change replaces aspartic acid, which is acidic and polar, with tyrosine, which is neutral and polar, at codon 1377 of the VCAN protein (p.Asp1377Tyr). This variant is present in population databases (rs772855411, gnomAD 0.01%). This variant has not been reported in the literature in individuals affected with VCAN-related conditions. ClinVar contains an entry for this variant (Variation ID: 1025121). An algorithm developed to predict the effect of missense changes on protein structure and function (PolyPhen-2) suggests that this variant is likely to be disruptive. In summary, the available evidence is currently insufficient to determine the role of this variant in disease. Therefore, it has been classified as a Variant of Uncertain Significance.

Blueprint Genetics
Classification: Likely benign. Last evaluated: 2022-01-28. Review status: criteria provided, single submitter. Criteria: ACMG Guidelines, 2015. Collection method: clinical testing. Allele origin: germline.